The following is an entry in ClinVar:

NM_001379500.1(COL18A1):c.3421A>G (p.Ser1141Gly)

Genes: COL18A1 (collagen type XVIII alpha 1 chain; plus strand), SLC19A1 (solute carrier family 19 member 1; minus strand). Cytogenetic location: 21q22.3.
Variant type: single nucleotide variant.
Coding change: c.3421A>G on transcript NM_001379500.1 (MANE Select); coding-DNA position 3421, A replaced by G.
Protein change: p.Ser1141Gly; replaces serine 1141 with glycine.
Molecular consequence: missense variant.
Genome position (GRCh38, 1-based): chr21:45,509,527, A>G. VCF-style: chr21-45509527-A-G. GRCh37 (hg19) VCF-style: chr21-46929441-A-G.
Other names: c.3952A>G, p.Ser1318Gly (NM_030582.4); c.4657A>G, p.Ser1553Gly (NM_130444.3); short protein forms S1318G, S1141G, S1553G.
Identifiers: ClinVar variation 1427229 (VCV001427229.5), dbSNP rs748677532, ClinGen allele CA410501025.

ClinVar aggregate classification (germline): Uncertain significance (1 of 4 stars; one submission).

Allele frequency attached by ClinVar (database versions not stated): gnomAD 0.00001; TOPMed 0.00001.
gnomAD v4.1: 15 of 1,536,420 alleles (0.00098%); highest among the groups gnomAD compares: African/African-American, 0.0014%; no homozygotes.

Submission:

Labcorp Genetics (formerly Invitae), Labcorp
Classification: Uncertain significance. Last evaluated: 2023-11-27. Review status: criteria provided, single submitter. Criteria: Invitae Variant Classification Sherloc (09022015). Collection method: clinical testing. Allele origin: germline.
Comment: This sequence change replaces serine, which is neutral and polar, with glycine, which is neutral and non-polar, at codon 1138 of the COL18A1 protein (p.Ser1138Gly). The frequency data for this variant in the population databases is considered unreliable, as metrics indicate poor data quality at this position in the gnomAD database. This variant has not been reported in the literature in individuals affected with COL18A1-related conditions. ClinVar contains an entry for this variant (Variation ID: 1427229). Experimental studies and prediction algorithms are not available or were not evaluated, and the functional significance of this variant is currently unknown. In summary, the available evidence is currently insufficient to determine the role of this variant in disease. Therefore, it has been classified as a Variant of Uncertain Significance.